The following is an entry in ClinVar:

NM_001853.4(COL9A3):c.345+3G>A

Gene: COL9A3 (collagen type IX alpha 3 chain; plus strand). Cytogenetic location: 20q13.33.
Variant type: single nucleotide variant.
Coding change: c.345+3G>A on transcript NM_001853.4 (MANE Select); 3 bases into the intron after coding-DNA position 345, G replaced by A.
Molecular consequence: intron variant.
Genome position (GRCh38, 1-based): chr20:62,821,219, G>A. VCF-style: chr20-62821219-G-A. GRCh37 (hg19) VCF-style: chr20-61452571-G-A.
Identifiers: ClinVar variation 2811787 (VCV002811787.3), dbSNP rs2516028172, ClinGen allele CA2739277223.

ClinVar aggregate classification (germline): Uncertain significance (1 of 4 stars; one submission).

Submission:

Labcorp Genetics (formerly Invitae), Labcorp
Classification: Uncertain significance. Last evaluated: 2022-11-03. Review status: criteria provided, single submitter. Criteria: Invitae Variant Classification Sherloc (09022015). Collection method: clinical testing. Allele origin: germline.
Comment: This sequence change falls in intron 6 of the COL9A3 gene. It does not directly change the encoded amino acid sequence of the COL9A3 protein. It affects a nucleotide within the consensus splice site. In summary, the available evidence is currently insufficient to determine the role of this variant in disease. Therefore, it has been classified as a Variant of Uncertain Significance. Variants that disrupt the consensus splice site are a relatively common cause of aberrant splicing (PMID: 17576681, 9536098). Algorithms developed to predict the effect of sequence changes on RNA splicing suggest that this variant is not likely to affect RNA splicing. This variant has not been reported in the literature in individuals affected with COL9A3-related conditions. This variant is not present in population databases (gnomAD no frequency).

Literature cited by the submitters: PubMed 17576681; PubMed 9536098.